The following is an entry in ClinVar:

ClinVar aggregate classification (germline): Likely benign (1 of 4 stars; one submission).

Conditions:
Norman-Roberts syndrome (LIS2). Also called: Lissencephaly 2 (Norman-Roberts type). Identifiers: Orphanet 89844, MedGen C0796089, MONDO:0009760, OMIM 257320.

Allele frequency attached by ClinVar (database versions not stated): TOPMed 0.00024; 1000 Genomes Project 30x 0.00141; 1000 Genomes Project 0.00180; gnomAD exomes 0.00398; gnomAD 0.00467 and 0.00484.
gnomAD v4.1: 727 of 159,028 alleles (0.46%); highest among the groups gnomAD compares: East Asian, 0.18%; 18 homozygotes.

Submission:

Illumina Laboratory Services, Illumina
Classification: Likely benign for Norman-Roberts syndrome. Last evaluated: 2018-01-13. Review status: criteria provided, single submitter. Criteria: ICSL Variant Classification Criteria 13 December 2019. Collection method: clinical testing. Allele origin: germline.
Comment: This variant was observed in the ICSL laboratory as part of a predisposition screen in an ostensibly healthy population. It had not been previously curated by ICSL or reported in the Human Gene Mutation Database (HGMD: prior to June 1st, 2018), and was therefore a candidate for classification through an automated scoring system. Utilizing variant allele frequency, disease prevalence and penetrance estimates, and inheritance mode, an automated score was calculated to assess if this variant is too frequent to cause the disease. Based on the score and internal cut-off values, a variant classified as likely benign is not then subjected to further curation. The score for this variant resulted in a classification of likely benign for this disease.

NM_005045.4(RELN):c.*576G>A

Genes: SLC26A5-AS1 (SLC26A5 antisense RNA 1; plus strand), RELN (reelin; minus strand). Cytogenetic location: 7q22.1.
Variant type: single nucleotide variant.
Coding change: c.*576G>A on transcript NM_005045.4 (MANE Select); 576 bases downstream of the stop codon, G replaced by A.
Molecular consequence: 3 prime UTR variant.
Genome position (GRCh38, 1-based): chr7:103,472,236, C>T on the plus strand (G>A on the coding strand, the complement: RELN is on the minus strand). VCF-style: chr7-103472236-C-T. GRCh37 (hg19) VCF-style: chr7-103112683-C-T.
Other names: c.*576G>A (NM_173054.3).
Identifiers: ClinVar variation 358368 (VCV000358368.5), dbSNP rs141550459, ClinGen allele CA10627910.